The following is an entry in ClinVar:

ClinVar aggregate classification (germline): Likely benign (1 of 4 stars; one submission).

Allele frequency attached by ClinVar (database versions not stated): ExAC 0.00001; gnomAD 0.00001.
gnomAD v4.1: 4 of 1,614,014 alleles (0.00025%); highest among the groups gnomAD compares: African/African-American, 0.0013%; no homozygotes.

Submission:

CeGaT Center for Human Genetics Tuebingen
Classification: Likely benign. Last evaluated: 2024-02-01. Review status: criteria provided, single submitter. Criteria: CeGaT Center For Human Genetics Tuebingen Variant Classification Criteria Version 2. Collection method: clinical testing. Allele origin: germline. Affected: yes. Observed: 1 variant allele.
Comment: NTRK2: BS2

NM_006180.6(NTRK2):c.961G>A (p.Gly321Arg)

Gene: NTRK2 (neurotrophic receptor tyrosine kinase 2; plus strand). Cytogenetic location: 9q21.33.
Variant type: single nucleotide variant.
Coding change: c.961G>A on transcript NM_006180.6 (MANE Select); coding-DNA position 961, G replaced by A.
Protein change: p.Gly321Arg; replaces glycine 321 with arginine.
Molecular consequence: missense variant.
Genome position (GRCh38, 1-based): chr9:84,727,761, G>A. VCF-style: chr9-84727761-G-A. GRCh37 (hg19) VCF-style: chr9-87342676-G-A.
Other names: c.961G>A, p.Gly321Arg (NM_001007097.3, NM_001018064.3, NM_001018065.2 and 17 more transcripts); c.922G>A, p.Gly308Arg (NM_001291937.2, NM_001369546.1); c.493G>A, p.Gly165Arg (NM_001369535.1, NM_001369536.1, NM_001369550.1 and 2 more transcripts); short protein forms G165R, G308R, G321R.
Identifiers: ClinVar variation 3026041 (VCV003026041.22), dbSNP rs779160638, ClinGen allele CA5105605.